The following is an entry in ClinVar:

ClinVar aggregate classification (germline): Uncertain significance (1 of 4 stars; one submission).

Submission:

GeneDx
Classification: Uncertain significance. Last evaluated: 2024-01-24. Review status: criteria provided, single submitter. Criteria: GeneDx Variant Classification Process June 2021. Collection method: clinical testing. Allele origin: germline. Affected: yes.
Comment: Not observed at significant frequency in large population cohorts (gnomAD); Nonsense variant predicted to result in protein truncation as the last 8 amino acids are lost, although loss-of-function variants have not been reported downstream of this position in the protein; Has not been previously published as pathogenic or benign to our knowledge

NM_001318852.2(MAPK8IP3):c.3990G>A (p.Trp1330Ter)

Gene: MAPK8IP3 (mitogen-activated protein kinase 8 interacting protein 3; plus strand). Cytogenetic location: 16p13.3.
Variant type: single nucleotide variant.
Coding change: c.3990G>A on transcript NM_001318852.2 (MANE Select); coding-DNA position 3990, G replaced by A.
Protein change: p.Trp1330Ter; replaces tryptophan 1330 with a stop codon.
Molecular consequence: nonsense.
Genome position (GRCh38, 1-based): chr16:1,768,800, G>A. VCF-style: chr16-1768800-G-A. GRCh37 (hg19) VCF-style: chr16-1818801-G-A.
Other names: c.3969G>A, p.Trp1323Ter (NM_001040439.2); c.3987G>A, p.Trp1329Ter (NM_015133.5); short protein forms W1323*, W1329*, W1330*.
Identifiers: ClinVar variation 3368342 (VCV003368342.1).